The following is an entry in ClinVar:

ClinVar aggregate classification (germline): Uncertain significance (1 of 4 stars; one submission).

Allele frequency attached by ClinVar (database versions not stated): TOPMed below 0.00001; gnomAD 0.00001.
gnomAD v4.1: 1 of 1,613,732 alleles (0.000062%); highest among the groups gnomAD compares: Admixed American, 0.0017%; no homozygotes.

Submission:

Labcorp Genetics (formerly Invitae), Labcorp
Classification: Uncertain significance. Last evaluated: 2024-10-15. Review status: criteria provided, single submitter. Criteria: Invitae Variant Classification Sherloc (09022015). Collection method: clinical testing. Allele origin: germline.
Comment: This sequence change replaces glycine, which is neutral and non-polar, with aspartic acid, which is acidic and polar, at codon 292 of the PDZD7 protein (p.Gly292Asp). This variant is not present in population databases (gnomAD no frequency). This variant has not been reported in the literature in individuals affected with PDZD7-related conditions. ClinVar contains an entry for this variant (Variation ID: 2009502). Invitae Evidence Modeling of protein sequence and biophysical properties (such as structural, functional, and spatial information, amino acid conservation, physicochemical variation, residue mobility, and thermodynamic stability) has been performed for this missense variant. However, the output from this modeling did not meet the statistical confidence thresholds required to predict the impact of this variant on PDZD7 protein function. In summary, the available evidence is currently insufficient to determine the role of this variant in disease. Therefore, it has been classified as a Variant of Uncertain Significance.

NM_001195263.2(PDZD7):c.875G>A (p.Gly292Asp)

Gene: PDZD7 (PDZ domain containing 7; minus strand). Cytogenetic location: 10q24.31.
Variant type: single nucleotide variant.
Coding change: c.875G>A on transcript NM_001195263.2 (MANE Select); coding-DNA position 875, G replaced by A.
Protein change: p.Gly292Asp; replaces glycine 292 with aspartic acid.
Molecular consequence: missense variant.
Genome position (GRCh38, 1-based): chr10:101,020,671, C>T on the plus strand (G>A on the coding strand, the complement: PDZD7 is on the minus strand). VCF-style: chr10-101020671-C-T. GRCh37 (hg19) VCF-style: chr10-102780428-C-T.
Other names: c.875G>A, p.Gly292Asp (NM_001351044.2, NM_024895.5); short protein forms G292D.
Identifiers: ClinVar variation 2009502 (VCV002009502.4), dbSNP rs1853035700, ClinGen allele CA378229402.